The following is an entry in ClinVar:

ClinVar aggregate classification (germline): Uncertain significance (1 of 4 stars; one submission).

Conditions:
Monogenic diabetes. Identifiers: Orphanet 183625, MedGen C3888631, MONDO:0015967.

Allele frequency attached by ClinVar (database versions not stated): gnomAD exomes 0.00001 and 0.00002; ExAC 0.00002.
gnomAD v4.1: 11 of 1,613,694 alleles (0.00068%); highest among the groups gnomAD compares: South Asian, 0.0055%; no homozygotes.

Submission:

Personalized Diabetes Medicine Program, University of Maryland School of Medicine
Classification: Uncertain significance for Monogenic diabetes. Last evaluated: 2017-05-22. Review status: criteria provided, single submitter. Criteria: ACMG Guidelines, 2015. Collection method: research. Allele origin: unknown. Observed: 1 variant allele, 1 heterozygote. Study: Personalized Diabetes Medicine Program.
Comment: ACMG Criteria:BP4 (9 predictors)

NM_002666.5(PLIN1):c.991C>T (p.Leu331Phe)

Gene: PLIN1 (perilipin 1; minus strand). Cytogenetic location: 15q26.1.
Variant type: single nucleotide variant.
Coding change: c.991C>T on transcript NM_002666.5 (MANE Select); coding-DNA position 991, C replaced by T.
Protein change: p.Leu331Phe; replaces leucine 331 with phenylalanine.
Molecular consequence: missense variant.
Genome position (GRCh38, 1-based): chr15:89,667,154, G>A on the plus strand (C>T on the coding strand, the complement: PLIN1 is on the minus strand). VCF-style: chr15-89667154-G-A. GRCh37 (hg19) VCF-style: chr15-90210385-G-A.
Other names: c.991C>T, p.Leu331Phe (NM_001145311.2); short protein forms L331F.
Identifiers: ClinVar variation 549543 (VCV000549543.3), dbSNP rs759726625, ClinGen allele CA7728839.